The following is an entry in ClinVar:

ClinVar aggregate classification (germline): Uncertain significance. Review status: criteria provided, multiple submitters, no conflicts (2 of 4 stars). 2 submissions from 2 submitters: Uncertain significance (2). Last evaluated 2024-10-14.

Conditions:
Hereditary cancer-predisposing syndrome. Also called: Hereditary neoplastic syndrome; Tumor predisposition; Neoplastic Syndromes, Hereditary; Hereditary Cancer Syndrome. Identifiers: Orphanet 140162, MedGen C0027672, MeSH D009386, MONDO:0015356.

Allele frequency attached by ClinVar (database versions not stated): gnomAD exomes 0.00001.
gnomAD v4.1: 6 of 1,614,168 alleles (0.00037%); highest among the groups gnomAD compares: South Asian, 0.0033%; no homozygotes.

Submissions (2):

Ambry Genetics
Classification: Uncertain significance for Hereditary cancer-predisposing syndrome. Last evaluated: 2024-10-14. Review status: criteria provided, single submitter. Criteria: Ambry Variant Classification Scheme 2023. Collection method: clinical testing. Allele origin: germline.
Comment: The p.I621V variant (also known as c.1861A>G), located in coding exon 13 of the MSH3 gene, results from an A to G substitution at nucleotide position 1861. The isoleucine at codon 621 is replaced by valine, an amino acid with highly similar properties. This amino acid position is conserved. In addition, this alteration is predicted to be tolerated by in silico analysis. Based on the available evidence, the clinical significance of this variant remains unclear.

Labcorp Genetics (formerly Invitae), Labcorp
Classification: Uncertain significance. Last evaluated: 2018-12-15. Review status: criteria provided, single submitter. Criteria: Invitae Variant Classification Sherloc (09022015). Collection method: clinical testing. Allele origin: germline.
Comment: In summary, the available evidence is currently insufficient to determine the role of this variant in disease. Therefore, it has been classified as a Variant of Uncertain Significance. Algorithms developed to predict the effect of missense changes on protein structure and function output the following: SIFT: "Tolerated"; PolyPhen-2: "Benign"; Align-GVGD: "Class C0". The valine amino acid residue is found in multiple mammalian species, suggesting that this missense change does not adversely affect protein function. These predictions have not been confirmed by published functional studies and their clinical significance is uncertain. This variant has not been reported in the literature in individuals with MSH3-related conditions. This variant is not present in population databases (ExAC no frequency). This sequence change replaces isoleucine with valine at codon 621 of the MSH3 protein (p.Ile621Val). The isoleucine residue is weakly conserved and there is a small physicochemical difference between isoleucine and valine.

NM_002439.5(MSH3):c.1861A>G (p.Ile621Val)

Gene: MSH3 (mutS homolog 3; plus strand). Cytogenetic location: 5q14.1.
Variant type: single nucleotide variant.
Coding change: c.1861A>G on transcript NM_002439.5 (MANE Select); coding-DNA position 1861, A replaced by G.
Protein change: p.Ile621Val; replaces isoleucine 621 with valine.
Molecular consequence: missense variant.
Genome position (GRCh38, 1-based): chr5:80,761,643, A>G. VCF-style: chr5-80761643-A-G. GRCh37 (hg19) VCF-style: chr5-80057462-A-G.
Other names: c.1861A>G (NM_002439.3); short protein forms I621V.
Identifiers: ClinVar variation 656643 (VCV000656643.9), dbSNP rs1444622729, ClinGen allele CA360276670.